The following is an entry in ClinVar:

ClinVar aggregate classification (germline): Pathogenic. Review status: reviewed by expert panel (3 of 4 stars). 2 submissions from 2 submitters: Pathogenic (1). 1 of the submissions does not count toward it. Last evaluated 2020-09-06.

Conditions:
Glanzmann thrombasthenia. Also called: BLEEDING DISORDER, PLATELET-TYPE, 2; THROMBASTHENIA OF GLANZMANN AND NAEGELI; Thrombasthenia; PLATELET GLYCOPROTEIN IIb-IIIa DEFICIENCY; Glanzmann's thrombasthenia. Identifiers: Orphanet 849, MedGen C0040015, MONDO:0100326.

Allele frequency attached by ClinVar (database versions not stated): gnomAD exomes below 0.00001 and 0.00001; TOPMed 0.00001; ExAC 0.00004.
gnomAD v4.1: 2 of 1,567,038 alleles (0.00013%); highest among the groups gnomAD compares: East Asian, 0.0023%; no homozygotes.

Submissions (2):

ClinGen Platelet Disorders Variant Curation Expert Panel, ClinGen
Classification: Pathogenic for Glanzmann thrombasthenia. Last evaluated: 2020-09-06. Review status: reviewed by expert panel. Criteria: ClinGen Platelet ACMG Specifications v2. Collection method: curation. Allele origin: germline. Inheritance: Autosomal recessive inheritance.
Comment: The splicing variant, c.1946+1G>A, has been observed in at least one compound heterozygous patient in the literature with a phenotype highly specific to GT (PMID: 15099289). The canonical IVS19+1 donor splice site is lost, which is expected to result in skipping of exon 19 causing a reading frame shift with 10 new amino acids followed by a stop codon that leads to NMD. The variant is absent form ExAC, gnomAD, and 1000 Genomes. In summary, this variant meets criteria to be classified as Pathogenic for GT. GT-specific criteria applied: PVS1, PM2_Supporting, PP4_Moderate.

Labcorp Genetics (formerly Invitae), Labcorp
Classification: Likely pathogenic for Glanzmann thrombasthenia. Last evaluated: 2025-12-17. Review status: criteria provided, single submitter. Criteria: Invitae Variant Classification Sherloc (09022015). Collection method: clinical testing. Allele origin: germline. Not counted in ClinVar's aggregate classification.
Comment: This sequence change affects a donor splice site in intron 19 of the ITGA2B gene. It is expected to disrupt RNA splicing. Variants that disrupt the donor or acceptor splice site typically lead to a loss of protein function (PMID: 16199547), and loss-of-function variants in ITGA2B are known to be pathogenic (PMID: 21917754). The frequency data for this variant in the population databases is considered unreliable, as metrics indicate poor data quality at this position in the gnomAD database. Disruption of this splice site has been observed in individual(s) with autosomal recessive Glanzmann thrombasthenia (PMID: 15099289). This variant is also known as IVS19(+1). ClinVar contains an entry for this variant (Variation ID: 569057). Algorithms developed to predict the effect of sequence changes on RNA splicing suggest that this variant may disrupt the consensus splice site. In summary, the currently available evidence indicates that the variant is pathogenic, but additional data are needed to prove that conclusively. Therefore, this variant has been classified as Likely Pathogenic.

Literature cited by the submitters: PubMed 15099289 (cited by ClinGen Platelet Disorders Variant Curation Expert Panel, ClinGen and Labcorp Genetics (formerly Invitae), Labcorp); PubMed 16199547 (cited by Labcorp Genetics (formerly Invitae), Labcorp); PubMed 21917754 (cited by Labcorp Genetics (formerly Invitae), Labcorp).

NM_000419.5(ITGA2B):c.1946+1G>A

Gene: ITGA2B (integrin subunit alpha 2b; minus strand). Cytogenetic location: 17q21.31.
Variant type: single nucleotide variant.
Coding change: c.1946+1G>A on transcript NM_000419.5 (MANE Select); the canonical splice donor site of the intron after coding-DNA position 1946, G replaced by A.
Molecular consequence: splice donor variant.
Genome position (GRCh38, 1-based): chr17:44,378,642, C>T on the plus strand (G>A on the coding strand, the complement: ITGA2B is on the minus strand). VCF-style: chr17-44378642-C-T. GRCh37 (hg19) VCF-style: chr17-42456010-C-T.
Identifiers: ClinVar variation 569057 (VCV000569057.12), dbSNP rs746091910, ClinGen allele CA8602901.